The following is an entry in ClinVar:

NM_033637.4(BTRC):c.350G>A (p.Ser117Asn)

Gene: BTRC (beta-transducin repeat containing E3 ubiquitin protein ligase; plus strand). Cytogenetic location: 10q24.32.
Variant type: single nucleotide variant.
Coding change: c.350G>A on transcript NM_033637.4 (MANE Select); coding-DNA position 350, G replaced by A.
Protein change: p.Ser117Asn; replaces serine 117 with asparagine.
Molecular consequence: missense variant.
Genome position (GRCh38, 1-based): chr10:101,521,664, G>A. VCF-style: chr10-101521664-G-A. GRCh37 (hg19) VCF-style: chr10-103281421-G-A.
Other names: c.272G>A, p.Ser91Asn (NM_001256856.2); c.242G>A, p.Ser81Asn (NM_003939.5); short protein forms S91N, S117N, S81N.
Identifiers: ClinVar variation 2051086 (VCV002051086.4), dbSNP rs145431733, ClinGen allele CA5655962.
Genomic context (GRCh38, chr10:101,521,664, plus strand): 5'-AATCATTTTATGTTTCTTTTAACCCCCTTCTACAGACAAAACTTGCCAATGGCACTTCCA[G>A]TATGATTGTGCCCAAGCAACGGAAACTCTCAGCAAGCTATGAAAAGGAAAAGGAACTGTG-3'
Protein context (NP_378663.1, residues 107-127): AKTKLANGTS[Ser117Asn]MIVPKQRKLS

ClinVar aggregate classification (germline): Uncertain significance (1 of 4 stars; one submission).

Allele frequency attached by ClinVar (database versions not stated): ExAC 0.00017; ESP Exome Variant Server 0.00046; TOPMed 0.00048; gnomAD 0.00052; 1000 Genomes Project 0.00080; 1000 Genomes Project 30x 0.00109.
gnomAD v4.1: 162 of 1,613,994 alleles (0.01%); highest among the groups gnomAD compares: African/African-American, 0.19%; no homozygotes.

Submission:

Labcorp Genetics (formerly Invitae), Labcorp
Classification: Uncertain significance. Last evaluated: 2025-12-01. Review status: criteria provided, single submitter. Criteria: Invitae Variant Classification Sherloc (09022015). Collection method: clinical testing. Allele origin: germline.
Comment: This sequence change replaces serine, which is neutral and polar, with asparagine, which is neutral and polar, at codon 117 of the BTRC protein (p.Ser117Asn). This variant is present in population databases (rs145431733, gnomAD 0.2%), and has an allele count higher than expected for a pathogenic variant. This variant has not been reported in the literature in individuals affected with BTRC-related conditions. ClinVar contains an entry for this variant (Variation ID: 2051086). An algorithm developed to predict the effect of missense changes on protein structure and function (PolyPhen-2) suggests that this variant is likely to be tolerated. In summary, the available evidence is currently insufficient to determine the role of this variant in disease. Therefore, it has been classified as a Variant of Uncertain Significance.